The following is an entry in ClinVar:

NM_001042492.3(NF1):c.6400T>G (p.Cys2134Gly)

Gene: NF1 (neurofibromin 1; plus strand). Cytogenetic location: 17q11.2.
Variant type: single nucleotide variant.
Coding change: c.6400T>G on transcript NM_001042492.3 (MANE Select); coding-DNA position 6400, T replaced by G.
Protein change: p.Cys2134Gly; replaces cysteine 2134 with glycine.
Molecular consequence: missense variant.
Genome position (GRCh38, 1-based): chr17:31,336,887, T>G. VCF-style: chr17-31336887-T-G. GRCh37 (hg19) VCF-style: chr17-29663905-T-G.
Other names: c.6337T>G, p.Cys2113Gly (NM_000267.4); short protein forms C2134G, C2113G.
Identifiers: ClinVar variation 2806313 (VCV002806313.3), dbSNP rs1335480997, ClinGen allele CA399012908.

ClinVar aggregate classification (germline): Uncertain significance (1 of 4 stars; one submission).

Conditions:
Neurofibromatosis, type 1 (NF1). Also called: NEUROFIBROMATOSIS, TYPE I, SOMATIC; Peripheral type neurofibromatosis; VON RECKLINGHAUSEN DISEASE; Neurofibromatosis, type I. Identifiers: Orphanet 636, MedGen C0027831, MONDO:0018975, OMIM 162200. Disease mechanism: loss of function.

Submission:

Labcorp Genetics (formerly Invitae), Labcorp
Classification: Uncertain significance for Neurofibromatosis, type 1. Last evaluated: 2024-01-18. Review status: criteria provided, single submitter. Criteria: Invitae Variant Classification Sherloc (09022015). Collection method: clinical testing. Allele origin: germline.
Comment: This sequence change replaces cysteine, which is neutral and slightly polar, with glycine, which is neutral and non-polar, at codon 2113 of the NF1 protein (p.Cys2113Gly). This variant is not present in population databases (gnomAD no frequency). This variant has not been reported in the literature in individuals affected with NF1-related conditions. Advanced modeling of protein sequence and biophysical properties (such as structural, functional, and spatial information, amino acid conservation, physicochemical variation, residue mobility, and thermodynamic stability) performed at Invitae indicates that this missense variant is expected to disrupt NF1 protein function with a positive predictive value of 95%. In summary, the available evidence is currently insufficient to determine the role of this variant in disease. Therefore, it has been classified as a Variant of Uncertain Significance.